The following is an entry in ClinVar:

ClinVar aggregate classification (germline): Pathogenic. Review status: reviewed by expert panel (3 of 4 stars). 8 submissions from 8 submitters: Pathogenic (1). 7 of the submissions do not count toward it. Last evaluated 2017-03-17.

Conditions:
CFTR-related disorder (CFTR-RD). Also called: CFTR-related condition; CFTR-related disorders. Identifiers: MedGen C5924204, MONDO:7770004.
Cystic fibrosis (CF). Also called: MUCOVISCIDOSIS. Identifiers: Orphanet 586, MedGen C0010674, MONDO:0009061, OMIM 219700. Disease mechanism: loss of function.

Allele frequency attached by ClinVar (database versions not stated): gnomAD exomes below 0.00001 and 0.00001; ExAC 0.00001; gnomAD 0.00001; TOPMed 0.00001.
gnomAD v4.1: 6 of 1,593,608 alleles (0.00038%); highest among the groups gnomAD compares: African/African-American, 0.0014%; no homozygotes.

Submissions (8):

CFTR2
Classification: Pathogenic for Cystic fibrosis. Last evaluated: 2017-03-17. Review status: reviewed by expert panel. Criteria: Sosnay PR et al. (Nat Genet 2013). Collection method: research. Allele origin: germline. Affected: yes. Study: CFTR2.

Labcorp Genetics (formerly Invitae), Labcorp
Classification: Pathogenic for Cystic fibrosis. Last evaluated: 2025-12-13. Review status: criteria provided, single submitter. Criteria: Invitae Variant Classification Sherloc (09022015). Collection method: clinical testing. Allele origin: germline. Not counted in ClinVar's aggregate classification.
Comment: This sequence change affects an acceptor splice site in intron 10 of the CFTR gene. It is expected to disrupt RNA splicing. Variants that disrupt the donor or acceptor splice site typically lead to a loss of protein function (PMID: 16199547), and loss-of-function variants in CFTR are known to be pathogenic (PMID: 1695717, 7691345, 9725922). This variant is present in population databases (rs397508201, gnomAD 0.007%). Disruption of this splice site has been observed in individual(s) with cystic fibrosis (PMID: 11379874, 16275171, 16678395). In at least one individual the data is consistent with being in trans (on the opposite chromosome) from a pathogenic variant. This variant is also known as 1525-2A>G. ClinVar contains an entry for this variant (Variation ID: 53243). Algorithms developed to predict the effect of sequence changes on RNA splicing suggest that this variant may disrupt the consensus splice site. For these reasons, this variant has been classified as Pathogenic.

PreventionGenetics, part of Exact Sciences
Classification: Pathogenic for CFTR-related condition. Last evaluated: 2025-12-04. Review status: criteria provided, single submitter. Criteria: ACMG Guidelines, 2015. Collection method: clinical testing. Allele origin: germline. Not counted in ClinVar's aggregate classification.
Comment: The CFTR c.1393-2A>G variant is predicted to disrupt the AG splice acceptor site and interfere with normal splicing. This variant, also referred to as c.1525-2A>G, has been reported to be causative for cystic fibrosis (Le Maréchal et al 2001. PubMed ID: 11379874; Braun AT et al 2005. PubMed ID: 16275171). This variant is reported in 0.0062% of alleles in individuals of African descent in gnomAD. Variants that disrupt the consensus splice acceptor site in CFTR are expected to be pathogenic. This variant is interpreted as pathogenic.

Natera, Inc.
Classification: Pathogenic for CFTR-related disorders. Last evaluated: 2025-11-20. Review status: criteria provided, single submitter. Criteria: Natera Variant Classification Schema (03/2026). Collection method: clinical testing. Allele origin: germline. Not counted in ClinVar's aggregate classification.
Comment: The c.1393-2A>G variant in CFTR is a canonical splice acceptor site variant predicted to affect pre-mRNA splicing, which may result in an abnormal transcript and altered protein product. This variant is expected to result in nonsense mediated decay, truncation, or a dysfunctional protein product. This variant is rare in the general population with a frequency below the threshold expected for the associated phenotype(s). This variant has been observed in one or more individuals affected with the associated recessive disease, as either homozygous or compound heterozygous with a second variant (PMID: 16275171, 34415821). Another variant at this same site results in an alteration predicted to cause a similar molecular effect has been observed in individual(s) with the associated phenotype. Given the available evidence, this variant is classified as Pathogenic.

CFTR-France
Classification: Pathogenic for Cystic fibrosis. Last evaluated: 2022-07-01. Review status: criteria provided, single submitter. Criteria: Claustres M et al. (Hum Mutat 2017). Collection method: curation. Allele origin: germline. Affected: no. Not counted in ClinVar's aggregate classification.

Ambry Genetics
Classification: Pathogenic for Cystic fibrosis. Last evaluated: 2022-06-13. Review status: criteria provided, single submitter. Criteria: Ambry Variant Classification Scheme 2023. Collection method: clinical testing. Allele origin: germline. Not counted in ClinVar's aggregate classification.
Comment: The c.1393-2A>G intronic pathogenic mutation results from an A to G substitution two nucleotides upstream from coding exon 11 in the CFTR gene. This mutation was also found on three alleles of 148 Norwegian individuals with cystic fibrosis (Munthe-Kaas MC et al., Respir Med 2006 Dec; 100(12):2121-8.). In addition to the clinical data presented in the literature, alterations that disrupt the canonical splice site are expected to cause aberrant splicing, resulting in an abnormal protein or a transcript that is subject to nonsense-mediated mRNA decay. As such, this alteration is classified as a disease-causing mutation.

Women's Health and Genetics/Laboratory Corporation of America, LabCorp
Classification: Pathogenic for Cystic fibrosis. Last evaluated: 2022-06-06. Review status: criteria provided, single submitter. Criteria: LabCorp Variant Classification Summary - May 2015. Collection method: clinical testing. Allele origin: germline. Not counted in ClinVar's aggregate classification.
Comment: Variant summary: CFTR c.1393-2A>G is located in a canonical splice-site and is predicted to affect mRNA splicing, resulting in a significantly altered protein due to either exon skipping, shortening, or inclusion of intronic material. Several computational tools predict a significant impact on normal splicing: Three predict the variant abolishes a 3' acceptor site. The variant allele was found at a frequency of 8e-06 in 251182 control chromosomes (gnomAD). c.1393-2A>G has been reported in the literature in multiple compound heterozygous individuals affected with Cystic Fibrosis (e.g. Le Marechal_2001, Braun_2006, Green_2010, McCague_2019, Schamschula_2021). These data indicate that the variant is very likely to be associated with disease. Four ClinVar submitters have assessed the variant since 2014: all four classified the variant as pathogenic. Based on the evidence outlined above, the variant was classified as pathogenic.

Counsyl
Classification: Pathogenic for Cystic fibrosis. Last evaluated: 2016-04-22. Review status: no assertion criteria provided. Collection method: clinical testing. Allele origin: unknown. Not counted in ClinVar's aggregate classification.

Literature cited by the submitters: PubMed 16199547 (cited by Labcorp Genetics (formerly Invitae), Labcorp); PubMed 1695717 (cited by Labcorp Genetics (formerly Invitae), Labcorp); PubMed 7691345 (cited by Labcorp Genetics (formerly Invitae), Labcorp); PubMed 9725922 (cited by Labcorp Genetics (formerly Invitae), Labcorp); PubMed 11379874 (cited by 3 submitters); PubMed 16275171 (cited by 4 submitters); PubMed 16678395 (cited by Labcorp Genetics (formerly Invitae), Labcorp and Ambry Genetics); PubMed 34415821 (cited by Natera, Inc. and Women's Health and Genetics/Laboratory Corporation of America, LabCorp); PubMed 20932301 (cited by Women's Health and Genetics/Laboratory Corporation of America, LabCorp); PubMed 30888834 (cited by Women's Health and Genetics/Laboratory Corporation of America, LabCorp).

NM_000492.4(CFTR):c.1393-2A>G

Genes: CFTR (CF transmembrane conductance regulator; plus strand), CFTR-AS1 (CFTR antisense RNA 1; minus strand). Cytogenetic location: 7q31.2.
Variant type: single nucleotide variant.
Coding change: c.1393-2A>G on transcript NM_000492.4 (MANE Select); the canonical splice acceptor site of the intron before coding-DNA position 1393, A replaced by G.
Molecular consequence: splice acceptor variant.
Genome position (GRCh38, 1-based): chr7:117,559,462, A>G. VCF-style: chr7-117559462-A-G. GRCh37 (hg19) VCF-style: chr7-117199516-A-G.
Other names: 1525-2A->G.
Identifiers: ClinVar variation 53243 (VCV000053243.16), dbSNP rs397508201, ClinGen allele CA326468.